The following is an entry in ClinVar:

NM_001943.5(DSG2):c.1438A>G (p.Thr480Ala)

Gene: DSG2 (desmoglein 2; plus strand). Cytogenetic location: 18q12.1.
Variant type: single nucleotide variant.
Coding change: c.1438A>G on transcript NM_001943.5 (MANE Select); coding-DNA position 1438, A replaced by G.
Protein change: p.Thr480Ala; replaces threonine 480 with alanine.
Molecular consequence: missense variant.
Genome position (GRCh38, 1-based): chr18:31,536,216, A>G. VCF-style: chr18-31536216-A-G. GRCh37 (hg19) VCF-style: chr18-29116179-A-G.
Other names: short protein forms T480A.
Identifiers: ClinVar variation 921454 (VCV000921454.5), dbSNP rs998496995, ClinGen allele CA297741233.

ClinVar aggregate classification (germline): Uncertain significance (1 of 4 stars; one submission).

Conditions:
Cardiomyopathy (CMYO). Also called: Cardiomyopathies. Identifiers: Orphanet 167848, MedGen C0878544, MONDO:0004994, HP:0001638. Inheritance: Various modes of inheritance.

Allele frequency attached by ClinVar (database versions not stated): gnomAD 0.00001.
gnomAD v4.1: 1 of 1,614,044 alleles (0.000062%); highest among the groups gnomAD compares: Non-Finnish European, 0.000085%; no homozygotes.

Submission:

Color Diagnostics, LLC DBA Color Health
Classification: Uncertain significance for Cardiomyopathy. Last evaluated: 2023-12-04. Review status: criteria provided, single submitter. Criteria: ACMG Guidelines, 2015. Collection method: clinical testing. Allele origin: germline.
Comment: Variant of Uncertain Significance due to insufficient evidence: This missense variant is located in the extracellular cadherin domain 4 of the DSG2 protein. Computational prediction tools and conservation analyses are inconclusive regarding the impact of this variant on the protein function. Computational splicing tools suggest that this variant may not impact RNA splicing. To our knowledge, functional assays have not been performed for this variant nor has this variant been reported in individuals affected with cardiovascular disorders in the literature. This variant has been identified in 1/30976 chromosomes in the general population by the Genome Aggregation Database (gnomAD). Available evidence is insufficient to determine the pathogenicity of this variant conclusively.